The following is an entry in ClinVar:

ClinVar aggregate classification (germline): Pathogenic/Likely pathogenic. Review status: criteria provided, multiple submitters, no conflicts (2 of 4 stars). 2 submissions from 2 submitters: Pathogenic (1); Likely pathogenic (1). Last evaluated 2025-01-21.

Conditions:
Pulmonary fibrosis and/or bone marrow failure, Telomere-related, 3. Also called: PULMONARY FIBROSIS AND/OR BONE MARROW FAILURE SYNDROME, TELOMERE-RELATED, 3. Identifiers: Orphanet 2032, MedGen C4225346, MONDO:0014613, OMIM 616373.
Dyskeratosis congenita, autosomal recessive 5 (DKCB5). Identifiers: MedGen C3554656, MONDO:0014076, OMIM 615190.

Submissions (2):

3billion
Classification: Likely pathogenic for Pulmonary fibrosis and/or bone marrow failure, Telomere-related, 3. Last evaluated: 2025-01-21. Review status: criteria provided, single submitter. Criteria: ACMG Guidelines, 2015. Collection method: clinical testing. Allele origin: germline. Affected: yes.
Comment: The variant is not observed in the gnomAD v4.1.0 dataset. Predicted Consequence/Location: Stop-gained (nonsense): predicted to result in a loss or disruption of normal protein function through nonsense-mediated decay (NMD) or protein truncation. Multiple pathogenic variants are reported downstream of the variant. Therefore, this variant is classified as Likely pathogenic according to the recommendation of ACMG/AMP guideline.

Labcorp Genetics (formerly Invitae), Labcorp
Classification: Pathogenic for Dyskeratosis congenita, autosomal recessive 5; Pulmonary fibrosis and/or bone marrow failure, Telomere-related, 3. Last evaluated: 2024-12-19. Review status: criteria provided, single submitter. Criteria: Invitae Variant Classification Sherloc (09022015). Collection method: clinical testing. Allele origin: germline.
Comment: This sequence change creates a premature translational stop signal (p.Gln1088*) in the RTEL1 gene. It is expected to result in an absent or disrupted protein product. Loss-of-function variants in RTEL1 are known to be pathogenic (PMID: 23453664, 23959892, 25607374). This variant is not present in population databases (gnomAD no frequency). This variant has not been reported in the literature in individuals affected with RTEL1-related conditions. For these reasons, this variant has been classified as Pathogenic.

Literature cited by the submitters: PubMed 23453664 (cited by Labcorp Genetics (formerly Invitae), Labcorp); PubMed 23959892 (cited by Labcorp Genetics (formerly Invitae), Labcorp); PubMed 25607374 (cited by Labcorp Genetics (formerly Invitae), Labcorp).

NM_001283009.2(RTEL1):c.3262C>T (p.Gln1088Ter)

Genes: RTEL1 (regulator of telomere elongation helicase 1; plus strand), RTEL1-TNFRSF6B (RTEL1-TNFRSF6B readthrough (NMD candidate); plus strand). Cytogenetic location: 20q13.33.
Variant type: single nucleotide variant.
Coding change: c.3262C>T on transcript NM_001283009.2 (MANE Select); coding-DNA position 3262, C replaced by T.
Protein change: p.Gln1088Ter; replaces glutamine 1088 with a stop codon.
Molecular consequence: nonsense. On other transcripts: non-coding transcript variant (1).
Genome position (GRCh38, 1-based): chr20:63,694,893, C>T. VCF-style: chr20-63694893-C-T. GRCh37 (hg19) VCF-style: chr20-62326246-C-T.
Other names: c.2593C>T, p.Gln865Ter (NM_001283010.1); c.3262C>T, p.Gln1088Ter (NM_016434.4); c.3334C>T, p.Gln1112Ter (NM_032957.5); short protein forms Q1088*, Q1112*, Q865*.
Identifiers: ClinVar variation 3751652 (VCV003751652.3).
Genomic context (GRCh38, chr20:63,694,893, plus strand): 5'-CGCAGGGCCCTGGGGTCCGCGGGCTGTAGCCAACTCTTGGCAGCGCTGACAGCCTATAAG[C>T]AAGACGACGACCTCGACAAGGTGCTGGCTGTGTTGGCCGCCCTGACCACTGCAAAGCCAG-3'